The following is an entry in ClinVar:

ClinVar aggregate classification (germline): Uncertain significance. Review status: criteria provided, multiple submitters, no conflicts (2 of 4 stars). 2 submissions from 2 submitters: Uncertain significance (2). Last evaluated 2025-08-04.

Conditions:
C3 glomerulonephritis. Also called: C3 GLOMERULOPATHY 3; Nephropathy due to CFHR5 Deficiency. Identifiers: Orphanet 329931, MedGen C4055342, MONDO:0013892, OMIM 614809.

Submissions (2):

3billion
Classification: Uncertain significance for C3 glomerulonephritis. Last evaluated: 2025-08-04. Review status: criteria provided, single submitter. Criteria: ACMG Guidelines, 2015. Collection method: clinical testing. Allele origin: germline. Affected: yes.
Comment: The variant is not observed in the gnomAD v4.1.0 dataset. Predicted Consequence/Location: Stop-gained (nonsense): predicted to result in a loss or disruption of normal protein function through nonsense-mediated decay (NMD) or protein truncation. Multiple pathogenic variants are reported downstream of the variant. The variant has been reported as of uncertain significance (ClinVar ID: VCV003604175). Therefore, this variant is classified as VUS according to the recommendation of ACMG/AMP guideline.

Labcorp Genetics (formerly Invitae), Labcorp
Classification: Uncertain significance. Last evaluated: 2025-02-06. Review status: criteria provided, single submitter. Criteria: Invitae Variant Classification Sherloc (09022015). Collection method: clinical testing. Allele origin: germline.
Comment: This sequence change creates a premature translational stop signal (p.Glu348*) in the CFHR5 gene. It is expected to result in an absent or disrupted protein product. However, the current clinical and genetic evidence is not sufficient to establish whether loss-of-function variants in CFHR5 cause disease. This variant is not present in population databases (gnomAD no frequency). This variant has not been reported in the literature in individuals affected with CFHR5-related conditions. Algorithms developed to predict the effect of sequence changes on RNA splicing suggest that this variant may disrupt the consensus splice site. In summary, the available evidence is currently insufficient to determine the role of this variant in disease. Therefore, it has been classified as a Variant of Uncertain Significance.

NM_030787.4(CFHR5):c.1042G>T (p.Glu348Ter)

Gene: CFHR5 (complement factor H related 5; plus strand). Cytogenetic location: 1q31.3.
Variant type: single nucleotide variant.
Coding change: c.1042G>T on transcript NM_030787.4 (MANE Select); coding-DNA position 1042, G replaced by T.
Protein change: p.Glu348Ter; replaces glutamic acid 348 with a stop codon.
Molecular consequence: nonsense.
Genome position (GRCh38, 1-based): chr1:196,998,199, G>T. VCF-style: chr1-196998199-G-T. GRCh37 (hg19) VCF-style: chr1-196967329-G-T.
Other names: short protein forms E348*.
Identifiers: ClinVar variation 3604175 (VCV003604175.3).